The following is an entry in ClinVar:

NM_001917.5(DAO):c.384C>T (p.Tyr128=)

Gene: DAO (D-amino acid oxidase; plus strand). Cytogenetic location: 12q24.11.
Variant type: single nucleotide variant.
Coding change: c.384C>T on transcript NM_001917.5 (MANE Select); coding-DNA position 384, C replaced by T.
Protein change: p.Tyr128=; no amino-acid change (tyrosine 128 retained).
Molecular consequence: synonymous variant.
Genome position (GRCh38, 1-based): chr12:108,889,543, C>T. VCF-style: chr12-108889543-C-T. GRCh37 (hg19) VCF-style: chr12-109283319-C-T.
Other names: c.384C>T, p.Tyr128= (NM_001413634.1, NM_001413635.1).
Identifiers: ClinVar variation 3054500 (VCV003054500.2), dbSNP rs747002323, ClinGen allele CA6771061.

ClinVar aggregate classification (germline): Likely benign (0 of 4 stars; one submission).

Conditions:
DAO-related disorder. Also called: DAO-related condition.

Allele frequency attached by ClinVar (database versions not stated): gnomAD 0.00003; TOPMed 0.00003; ExAC 0.00002; gnomAD exomes 0.00002.
gnomAD v4.1: 32 of 1,611,082 alleles (0.002%); highest among the groups gnomAD compares: African/African-American, 0.008%; no homozygotes.

Submission:

PreventionGenetics, part of Exact Sciences
Classification: Likely benign for DAO-related condition. Last evaluated: 2023-05-26. Review status: no assertion criteria provided. Collection method: clinical testing. Allele origin: germline.
Comment: This variant is classified as likely benign based on ACMG/AMP sequence variant interpretation guidelines (Richards et al. 2015 PMID: 25741868, with internal and published modifications).